The following is an entry in ClinVar:

NM_001167.4(XIAP):c.1105A>G (p.Thr369Ala)

Gene: XIAP (X-linked inhibitor of apoptosis; plus strand). Cytogenetic location: Xq25.
Variant type: single nucleotide variant.
Coding change: c.1105A>G on transcript NM_001167.4 (MANE Select); coding-DNA position 1105, A replaced by G.
Protein change: p.Thr369Ala; replaces threonine 369 with alanine.
Molecular consequence: missense variant. On other transcripts: non-coding transcript variant (2).
Genome position (GRCh38, 1-based): chrX:123,900,498, A>G. VCF-style: chrX-123900498-A-G. GRCh37 (hg19) VCF-style: chrX-123034348-A-G.
Other names: c.1105A>G, p.Thr369Ala (NM_001204401.2, NM_001378590.1, NM_001378591.1 and 1 more transcripts); short protein forms T369A.
Identifiers: ClinVar variation 4690905 (VCV004690905.1).
Genomic context (GRCh38, chrX:123,900,498, plus strand): 5'-ATGAAAATAATTGTTTAAATTCTATGTTCTTTTTCCTCACCAATTTTTATTTCAGATGAT[A>G]CCATCTTCCAAAATCCTATGGTACAAGAAGCTATACGAATGGGGTTCAGTTTCAAGGACA-3'
Protein context (NP_001158.2, residues 359-379): TPSLTRRIDD[Thr369Ala]IFQNPMVQEA

ClinVar aggregate classification (germline): Uncertain significance (1 of 4 stars; one submission).

Conditions:
X-linked lymphoproliferative disease due to XIAP deficiency. Also called: XIAP DEFICIENCY; XIAP-Related Lymphoproliferative Disease, X-Linked. Identifiers: Orphanet 2442, Orphanet 538934, MedGen C1845076, MONDO:0010385, OMIM 300635.

gnomAD v4.1: 6 of 1,205,243 alleles (0.0005%); highest among the groups gnomAD compares: African/African-American, 0.0053%; no homozygotes.

Submission:

Labcorp Genetics (formerly Invitae), Labcorp
Classification: Uncertain significance for X-linked lymphoproliferative disease due to XIAP deficiency. Last evaluated: 2025-02-20. Review status: criteria provided, single submitter. Criteria: Invitae Variant Classification Sherloc (09022015). Collection method: clinical testing. Allele origin: germline.
Comment: This sequence change replaces threonine, which is neutral and polar, with alanine, which is neutral and non-polar, at codon 369 of the XIAP protein (p.Thr369Ala). This variant is present in population databases (no rsID available, gnomAD 0.02%), including at least one homozygous and/or hemizygous individual. This variant has not been reported in the literature in individuals affected with XIAP-related conditions. Invitae Evidence Modeling of protein sequence and biophysical properties (such as structural, functional, and spatial information, amino acid conservation, physicochemical variation, residue mobility, and thermodynamic stability) indicates that this missense variant is not expected to disrupt XIAP protein function with a negative predictive value of 80%. In summary, the available evidence is currently insufficient to determine the role of this variant in disease. Therefore, it has been classified as a Variant of Uncertain Significance.